The following is an entry in ClinVar:

ClinVar aggregate classification (germline): Likely benign. Review status: criteria provided, multiple submitters, no conflicts (2 of 4 stars). 3 submissions from 3 submitters: Likely benign (3). Last evaluated 2025-04-09.

Conditions:
Osteogenesis imperfecta type I (OI1). Also called: OI, TYPE I; OSTEOGENESIS IMPERFECTA TARDA; OSTEOGENESIS IMPERFECTA WITH BLUE SCLERAE; Lobstein's Disease; Classic Non-deforming Osteogenesis Imperfecta with Blue Sclerae; Osteogenesis imperfecta type 1. Identifiers: Orphanet 216796, Orphanet 666, MedGen C0023931, MONDO:0008146, OMIM 166200. Disease mechanism: loss of function.

Allele frequency attached by ClinVar (database versions not stated): gnomAD 0.00001; 1000 Genomes Project 30x 0.00031; 1000 Genomes Project 0.00040.
gnomAD v4.1: 19 of 1,613,976 alleles (0.0012%); highest among the groups gnomAD compares: South Asian, 0.021%; no homozygotes.

Submissions (3):

Molecular Diagnostic Laboratory for Inherited Cardiovascular Disease, Montreal Heart Institute
Classification: Likely benign. Last evaluated: 2025-04-09. Review status: criteria provided, single submitter. Criteria: ACMG Guidelines, 2015. Collection method: clinical testing. Allele origin: germline. Affected: no.
Comment: BS1;BP4

Blueprint Genetics
Classification: Likely benign. Last evaluated: 2022-08-02. Review status: criteria provided, single submitter. Criteria: ACMG Guidelines, 2015. Collection method: clinical testing. Allele origin: germline.

Labcorp Genetics (formerly Invitae), Labcorp
Classification: Likely benign for Osteogenesis imperfecta type I. Last evaluated: 2021-07-19. Review status: criteria provided, single submitter. Criteria: Invitae Variant Classification Sherloc (09022015). Collection method: clinical testing. Allele origin: germline.

NM_000088.4(COL1A1):c.3139G>C (p.Ala1047Pro)

Gene: COL1A1 (collagen type I alpha 1 chain; minus strand). Cytogenetic location: 17q21.33.
Variant type: single nucleotide variant.
Coding change: c.3139G>C on transcript NM_000088.4 (MANE Select); coding-DNA position 3139, G replaced by C.
Protein change: p.Ala1047Pro; replaces alanine 1047 with proline.
Molecular consequence: missense variant.
Genome position (GRCh38, 1-based): chr17:50,188,598, C>G on the plus strand (G>C on the coding strand, the complement: COL1A1 is on the minus strand). VCF-style: chr17-50188598-C-G. GRCh37 (hg19) VCF-style: chr17-48265959-C-G.
Other names: short protein forms A1047P.
Identifiers: ClinVar variation 859295 (VCV000859295.7), dbSNP rs544409032, ClinGen allele CA8644551.